The following is an entry in ClinVar:

NM_001077415.3(CRELD1):c.913+1G>A

Gene: CRELD1 (CRELD disulfide isomerase 1; plus strand). Cytogenetic location: 3p25.3.
Variant type: single nucleotide variant.
Coding change: c.913+1G>A on transcript NM_001077415.3 (MANE Select); the canonical splice donor site of the intron after coding-DNA position 913, G replaced by A.
Molecular consequence: splice donor variant.
Genome position (GRCh38, 1-based): chr3:9,943,173, G>A. VCF-style: chr3-9943173-G-A. GRCh37 (hg19) VCF-style: chr3-9984857-G-A.
Other names: c.913+1G>A (NM_001374317.1, NM_001031717.4, NM_001410713.1 and 3 more transcripts); c.829+1G>A (NM_001374319.1, NM_001374320.1).
Identifiers: ClinVar variation 3666935 (VCV003666935.2).

ClinVar aggregate classification (germline): Likely pathogenic (1 of 4 stars; one submission).

Conditions:
Atrioventricular septal defect, susceptibility to, 2. Identifiers: MedGen C1853508, MONDO:0011650, OMIM 606217.

gnomAD v4.1: 70 of 1,612,188 alleles (0.0043%); highest among the groups gnomAD compares: Admixed American, 0.0067%; 1 homozygote.

Submission:

Labcorp Genetics (formerly Invitae), Labcorp
Classification: Likely pathogenic for Atrioventricular septal defect, susceptibility to, 2. Last evaluated: 2024-05-10. Review status: criteria provided, single submitter. Criteria: Invitae Variant Classification Sherloc (09022015). Collection method: clinical testing. Allele origin: germline.
Comment: This sequence change affects a donor splice site in intron 9 of the CRELD1 gene. It is expected to disrupt RNA splicing. Variants that disrupt the donor or acceptor splice site typically lead to a loss of protein function (PMID: 16199547), and loss-of-function variants in CRELD1 are known to be pathogenic (PMID: 37947183). This variant is present in population databases (rs766742034, gnomAD 0.006%). This variant has not been reported in the literature in individuals affected with CRELD1-related conditions. Algorithms developed to predict the effect of sequence changes on RNA splicing suggest that this variant may disrupt the consensus splice site. In summary, the currently available evidence indicates that the variant is pathogenic, but additional data are needed to prove that conclusively. Therefore, this variant has been classified as Likely Pathogenic.

Literature cited by the submitters: PubMed 16199547; PubMed 37947183.